The following is an entry in ClinVar:

ClinVar aggregate classification (germline): Conflicting classifications of pathogenicity. Review status: criteria provided, conflicting classifications (1 of 4 stars). 8 submissions from 8 submitters: Uncertain significance (2); Likely benign (5). 1 of the submissions does not count toward it. Last evaluated 2026-01-26.

Conditions:
CDH1-related disorder. Also called: CDH1-related condition.
Hereditary cancer-predisposing syndrome. Also called: Tumor predisposition; Neoplastic Syndromes, Hereditary; Hereditary neoplastic syndrome; Hereditary Cancer Syndrome. Identifiers: Orphanet 140162, MedGen C0027672, MeSH D009386, MONDO:0015356.
CDH1-related diffuse gastric and lobular breast cancer syndrome. Also called: CDH1-related diffuse gastric and lobular breast cancer. Identifiers: MedGen CN311521, MONDO:0100488.
Hereditary diffuse gastric adenocarcinoma (HDGC). Also called: DIFFUSE GASTRIC AND LOBULAR BREAST CANCER SYNDROME. Identifiers: Orphanet 26106, MedGen C1708349, MONDO:0007648, OMIM 137215.

Submissions (8):

Labcorp Genetics (formerly Invitae), Labcorp
Classification: Likely benign for Hereditary diffuse gastric adenocarcinoma. Last evaluated: 2026-01-26. Review status: criteria provided, single submitter. Criteria: Invitae Variant Classification Sherloc (09022015). Collection method: clinical testing. Allele origin: germline.

Center for Genomic Medicine, Rigshospitalet, Copenhagen University Hospital
Classification: Uncertain significance. Last evaluated: 2025-03-04. Review status: criteria provided, single submitter. Criteria: ACMG Guidelines, 2015. Collection method: clinical testing. Allele origin: germline.

European Reference Network on Genetic Tumour Risk Syndromes (ERN-GENTURIS), i3s - Instituto de Investigação e Inovação em Saúde, University of Porto
Classification: Uncertain significance for Hereditary diffuse gastric adenocarcinoma. Last evaluated: 2022-08-01. Review status: criteria provided, single submitter. Criteria: Lee et al. (Hum Mutat. 2018). Collection method: clinical testing. Allele origin: germline. Inheritance: Autosomal dominant inheritance. Affected: no. Study: ERN GENTURIS.
Comment: BP4 (PMID: 30311375)

Department of Pathology and Laboratory Medicine, Sinai Health System
Classification: Likely benign for CDH1-related diffuse gastric and lobular breast cancer syndrome. Last evaluated: 2021-05-21. Review status: criteria provided, single submitter. Criteria: ACMG Guidelines, 2015. Collection method: clinical testing. Allele origin: germline. Affected: no.

Ambry Genetics
Classification: Likely benign for Hereditary cancer-predisposing syndrome. Last evaluated: 2020-01-08. Review status: criteria provided, single submitter. Criteria: Ambry Variant Classification Scheme 2023. Collection method: clinical testing. Allele origin: germline.

GeneDx
Classification: Likely benign. Last evaluated: 2018-11-09. Review status: criteria provided, single submitter. Criteria: GeneDx Variant Classification Process June 2021. Collection method: clinical testing. Allele origin: germline. Affected: yes.
Comment: This variant is associated with the following publications: (PMID: 23197654)

Color Diagnostics, LLC DBA Color Health
Classification: Likely benign for Hereditary cancer-predisposing syndrome. Last evaluated: 2016-07-11. Review status: criteria provided, single submitter. Criteria: ACMG Guidelines, 2015. Collection method: clinical testing. Allele origin: germline.

PreventionGenetics, part of Exact Sciences
Classification: Likely benign for CDH1-related condition. Last evaluated: 2023-06-01. Review status: no assertion criteria provided. Collection method: clinical testing. Allele origin: germline. Not counted in ClinVar's aggregate classification.
Comment: This variant is classified as likely benign based on ACMG/AMP sequence variant interpretation guidelines (Richards et al. 2015 PMID: 25741868, with internal and published modifications).

Literature cited by the submitters: PubMed 36436516 (cited by European Reference Network on Genetic Tumour Risk Syndromes (ERN-GENTURIS), i3s - Instituto de Investigação e Inovação em Saúde, University of Porto); PubMed 23197654 (cited by Department of Pathology and Laboratory Medicine, Sinai Health System and Ambry Genetics).

NM_004360.5(CDH1):c.2440-12CTT[2]

Gene: CDH1 (cadherin 1; plus strand). Cytogenetic location: 16q22.1.
Variant type: Microsatellite.
Coding change: c.2440-12CTT[2] on transcript NM_004360.5 (MANE Select); two copies in a row of the 3-base unit CTT starting at c.2440-12; the reference has three copies in a row; one copy, 3 bases deleted.
Molecular consequence: intron variant.
Genome position (GRCh38, 1-based): chr16:68,833,284-68,833,286, CTT deleted; deleting any 3 consecutive bases within chr16:68,833,278-68,833,286 gives the same sequence; the position shown is the placement nearest the transcript's 3' end. VCF-style (leftmost placement, unchanged base first): chr16-68833277-CCTT-C. GRCh37 (hg19) VCF-style: chr16-68867180-CCTT-C.
Other names: c.2440-6_2440-4delCTT (NM_004360.4, NM_004360.3, NM_004360.5); c.892-12CTT[2] (NM_001317185.2); c.475-12CTT[2] (NM_001317186.2); c.2257-12CTT[2] (NM_001317184.2); c.2440-6_2440-4del (NM_004360.4).
Identifiers: ClinVar variation 142839 (VCV000142839.32), dbSNP rs587782757, ClinGen allele CA169548.
Genomic context (GRCh38, chr16:68,833,277, plus strand): 5'-CTAGACTTCTTGCCCCAGATGACAGGTGTGCCCTTCCTTTCACTAAAAGATGCTTTTGTC[CCTT>C]CTTCTTTAGAATCTGAAAGCGGCTGATACTGACCCCACAGCCCCGCCTTATGATTCTCTG-3'